The following is an entry in ClinVar:

NM_176869.3(PPA2):c.465A>T (p.Lys155Asn)

Gene: PPA2 (inorganic pyrophosphatase 2; minus strand). Cytogenetic location: 4q24.
Variant type: single nucleotide variant.
Coding change: c.465A>T on transcript NM_176869.3 (MANE Select); coding-DNA position 465, A replaced by T.
Protein change: p.Lys155Asn; replaces lysine 155 with asparagine.
Molecular consequence: missense variant. On other transcripts: intron variant (3).
Genome position (GRCh38, 1-based): chr4:105,438,013, T>A on the plus strand (A>T on the coding strand, the complement: PPA2 is on the minus strand). VCF-style: chr4-105438013-T-A. GRCh37 (hg19) VCF-style: chr4-106359170-T-A.
Other names: c.157+35881A>T (NM_176867.3); c.223-13691A>T (NM_176866.2); c.441+8370A>T (NM_006903.4); c.465A>T (NM_176869.2); short protein forms K155N.
Identifiers: ClinVar variation 1373024 (VCV001373024.7), dbSNP rs150745595, ClinGen allele CA3032521.

ClinVar aggregate classification (germline): Conflicting classifications of pathogenicity. Review status: criteria provided, conflicting classifications (1 of 4 stars). 2 submissions from 2 submitters: Uncertain significance (1); Likely benign (1). Last evaluated 2026-01-26.

Allele frequency attached by ClinVar (database versions not stated): gnomAD 0.00013 and 0.00015; TOPMed 0.00013; ESP Exome Variant Server 0.00015.
gnomAD v4.1: 35 of 1,606,030 alleles (0.0022%); highest among the groups gnomAD compares: African/African-American, 0.046%; no homozygotes.

Submissions (2):

Labcorp Genetics (formerly Invitae), Labcorp
Classification: Likely benign. Last evaluated: 2026-01-26. Review status: criteria provided, single submitter. Criteria: Invitae Variant Classification Sherloc (09022015). Collection method: clinical testing. Allele origin: germline.

GeneDx
Classification: Uncertain significance. Last evaluated: 2025-05-08. Review status: criteria provided, single submitter. Criteria: GeneDx Variant Classification Process June 2021. Collection method: clinical testing. Allele origin: germline. Affected: yes.
Comment: In silico analysis suggests that this missense variant does not alter protein structure/function; Has not been previously published as pathogenic or benign to our knowledge